The following is an entry in ClinVar:

NM_000548.5(TSC2):c.5021C>T (p.Thr1674Ile)

Gene: TSC2 (TSC complex subunit 2; plus strand). Cytogenetic location: 16p13.3.
Variant type: single nucleotide variant.
Coding change: c.5021C>T on transcript NM_000548.5 (MANE Select); coding-DNA position 5021, C replaced by T.
Protein change: p.Thr1674Ile; replaces threonine 1674 with isoleucine.
Molecular consequence: missense variant.
Genome position (GRCh38, 1-based): chr16:2,087,894, C>T. VCF-style: chr16-2087894-C-T. GRCh37 (hg19) VCF-style: chr16-2137895-C-T.
Other names: c.4820C>T, p.Thr1607Ile (NM_001077183.3); c.4952C>T, p.Thr1651Ile (NM_001114382.3); c.4712C>T, p.Thr1571Ile (NM_001318827.2); c.4676C>T, p.Thr1559Ile (NM_001318829.2); c.4289C>T, p.Thr1430Ile (NM_001318831.2); c.4853C>T, p.Thr1618Ile (NM_001318832.2); c.4823C>T, p.Thr1608Ile (NM_001363528.2); c.4889C>T, p.Thr1630Ile (NM_001370404.1); and 1 more; short protein forms T1674I, T1651I, T1559I, T1571I, T1430I, T1607I, T1608I, T1630I.
Identifiers: ClinVar variation 468131 (VCV000468131.15), dbSNP rs1555439727, ClinGen allele CA394311241.

ClinVar aggregate classification (germline): Uncertain significance. Review status: criteria provided, multiple submitters, no conflicts (2 of 4 stars). 5 submissions from 5 submitters: Uncertain significance (5). Last evaluated 2024-07-06.

Conditions:
Hereditary cancer-predisposing syndrome. Also called: Hereditary neoplastic syndrome; Neoplastic Syndromes, Hereditary; Tumor predisposition; Hereditary Cancer Syndrome. Identifiers: Orphanet 140162, MedGen C0027672, MeSH D009386, MONDO:0015356.
Tuberous sclerosis 2 (TSC2). Identifiers: Orphanet 805, MedGen C1860707, MONDO:0013199, OMIM 613254.
Tuberous sclerosis syndrome (TSC). Also called: Tuberous Sclerosis Complex; Tuberous sclerosis. Identifiers: Orphanet 805, MedGen C0041341, MONDO:0001734.

Allele frequency attached by ClinVar (database versions not stated): gnomAD exomes below 0.00001; gnomAD 0.00001.
gnomAD v4.1: 2 of 1,611,868 alleles (0.00012%); highest among the groups gnomAD compares: Middle Eastern, 0.016%; no homozygotes.

Submissions (5):

Labcorp Genetics (formerly Invitae), Labcorp
Classification: Uncertain significance for Tuberous sclerosis 2. Last evaluated: 2024-07-06. Review status: criteria provided, single submitter. Criteria: Invitae Variant Classification Sherloc (09022015). Collection method: clinical testing. Allele origin: germline.
Comment: This sequence change replaces threonine, which is neutral and polar, with isoleucine, which is neutral and non-polar, at codon 1674 of the TSC2 protein (p.Thr1674Ile). This variant is not present in population databases (gnomAD no frequency). This variant has not been reported in the literature in individuals affected with TSC2-related conditions. ClinVar contains an entry for this variant (Variation ID: 468131). Advanced modeling of protein sequence and biophysical properties (such as structural, functional, and spatial information, amino acid conservation, physicochemical variation, residue mobility, and thermodynamic stability) performed at Invitae indicates that this missense variant is not expected to disrupt TSC2 protein function with a negative predictive value of 95%. In summary, the available evidence is currently insufficient to determine the role of this variant in disease. Therefore, it has been classified as a Variant of Uncertain Significance.

All of Us Research Program, National Institutes of Health
Classification: Uncertain significance for Tuberous sclerosis syndrome. Last evaluated: 2024-06-09. Review status: criteria provided, single submitter. Criteria: ACMG Guidelines, 2015. Collection method: clinical testing. Allele origin: germline. Inheritance: Autosomal dominant inheritance. Observed: 1 variant allele, 1 heterozygote.
Comment: This missense variant replaces threonine with isoleucine at codon 1674 of the TSC2 protein. Computational prediction is inconclusive regarding the impact of this variant on protein structure and function (internally defined REVEL score threshold 0.5 < inconclusive < 0.7, PMID: 27666373). To our knowledge, functional studies have not been reported for this variant. This variant has not been reported in individuals affected with TSC2-related disorders in the literature. This variant has not been identified in the general population by the Genome Aggregation Database (gnomAD). The available evidence is insufficient to determine the role of this variant in disease conclusively. Therefore, this variant is classified as a Variant of Uncertain Significance.

This study involves interpretation of variants in research participants for the purpose of population health screening. Participant phenotype was not available at the time of variant classification. Additional details can be found in publication PMID: 35346344, PMCID: PMC8962531

Ambry Genetics
Classification: Uncertain significance for Hereditary cancer-predisposing syndrome. Last evaluated: 2023-07-15. Review status: criteria provided, single submitter. Criteria: Ambry Variant Classification Scheme 2023. Collection method: clinical testing. Allele origin: germline.
Comment: The p.T1674I variant (also known as c.5021C>T), located in coding exon 38 of the TSC2 gene, results from a C to T substitution at nucleotide position 5021. The threonine at codon 1674 is replaced by isoleucine, an amino acid with similar properties. This amino acid position is conserved. In addition, this alteration is predicted to be deleterious by in silico analysis. Since supporting evidence is limited at this time, the clinical significance of this alteration remains unclear.

Genome-Nilou Lab
Classification: Uncertain significance for Tuberous sclerosis 2. Last evaluated: 2021-11-07. Review status: criteria provided, single submitter. Criteria: ACMG Guidelines, 2015. Collection method: clinical testing. Allele origin: germline. Affected: no.

GeneDx
Classification: Uncertain significance. Last evaluated: 2019-06-21. Review status: criteria provided, single submitter. Criteria: GeneDx Variant Classification Process June 2021. Collection method: clinical testing. Allele origin: germline. Affected: yes.
Comment: Not observed in large population cohorts (Lek et al., 2016); In silico analysis, which includes protein predictors and evolutionary conservation, supports a deleterious effect; Has not been previously published as pathogenic or benign to our knowledge